The following is an entry in ClinVar:

ClinVar aggregate classification (germline): Conflicting classifications of pathogenicity. Review status: criteria provided, conflicting classifications (1 of 4 stars). 2 submissions from 1 submitter: Uncertain significance (1); Benign (1). Last evaluated 2018-01-12.

Conditions:
Leydig cell agenesis. Also called: LEYDIG CELL HYPOPLASIA WITH MALE PSEUDOHERMAPHRODITISM; LEYDIG CELL HYPOPLASIA, COMPLETE; Leydig cell hypoplasia, type 1; HYPERGONADOTROPIC HYPOGONADISM, MALE, DUE TO LHCGR DEFECT. Identifiers: MedGen C0266432, MONDO:0009384, OMIM 238320.
Gonadotropin-independent familial sexual precocity. Also called: Familial male-limited precocious puberty; TESTOTOXICOSIS, FAMILIAL. Identifiers: Orphanet 3000, MedGen C0342549, MONDO:0008303, OMIM 176410.

Allele frequency attached by ClinVar (database versions not stated): 1000 Genomes Project 30x 0.00031; gnomAD exomes 0.00033; TOPMed 0.00033; 1000 Genomes Project 0.00040.
gnomAD v4.1: 50 of 158,618 alleles (0.032%); highest among the groups gnomAD compares: Middle Eastern, 0.34%; no homozygotes.

Submissions (2):

Illumina Laboratory Services, Illumina
Classification: Benign for Gonadotropin-independent familial sexual precocity. Last evaluated: 2018-01-12. Review status: criteria provided, single submitter. Criteria: ICSL Variant Classification Criteria 13 December 2019. Collection method: clinical testing. Allele origin: germline.
Comment: This variant was observed in the ICSL laboratory as part of a predisposition screen in an ostensibly healthy population. It had not been previously curated by ICSL or reported in the Human Gene Mutation Database (HGMD: prior to June 1st, 2018), and was therefore a candidate for classification through an automated scoring system. Utilizing variant allele frequency, disease prevalence and penetrance estimates, and inheritance mode, an automated score was calculated to assess if this variant is too frequent to cause the disease. Based on the score and internal cut-off values, a variant classified as benign is not then subjected to further curation. The score for this variant resulted in a classification of benign for this disease.

Illumina Laboratory Services, Illumina
Classification: Uncertain significance for Leydig cell agenesis. Last evaluated: 2018-01-12. Review status: criteria provided, single submitter. Criteria: ICSL Variant Classification Criteria 13 December 2019. Collection method: clinical testing. Allele origin: germline.

NM_000233.4(LHCGR):c.*512C>T

Genes: LHCGR (luteinizing hormone/choriogonadotropin receptor; minus strand), STON1-GTF2A1L (STON1-GTF2A1L readthrough; plus strand). Cytogenetic location: 2p16.3.
Variant type: single nucleotide variant.
Coding change: c.*512C>T on transcript NM_000233.4 (MANE Select); 512 bases downstream of the stop codon, C replaced by T.
Molecular consequence: 3 prime UTR variant. On other transcripts: intron variant (1).
Genome position (GRCh38, 1-based): chr2:48,687,185, G>A on the plus strand (C>T on the coding strand, the complement: LHCGR is on the minus strand). VCF-style: chr2-48687185-G-A. GRCh37 (hg19) VCF-style: chr2-48914324-G-A.
Other names: c.3441+15505G>A (NM_001198593.2).
Identifiers: ClinVar variation 896920 (VCV000896920.4), dbSNP rs564632841, ClinGen allele CA46751963.
Genomic context (GRCh38, chr2:48,687,185, plus strand): 5'-GTGTCTGTGCTGTCCAGTATGGTAAGCACTAGTCACACGTAGCCATTGAGAACTTGAAAC[G>A]TGGCTAGTGCAACTGAGAAACTACATTTCTCATTTTATTTAATTTTAATTTAGCCACATG-3'